The following is an entry in ClinVar:

ClinVar aggregate classification (germline): Likely pathogenic (3 of 4 stars; one submission).

Conditions:
Deficiency of guanidinoacetate methyltransferase (CCDS2). Also called: GAMT DEFICIENCY; CEREBRAL CREATINE DEFICIENCY SYNDROME 2; Guanidinoacetate Methyltransferase (GAMT) Deficiency. Identifiers: Orphanet 382, MedGen C0574080, MONDO:0012999, OMIM 612736.

gnomAD v4.1: 2 of 1,538,488 alleles (0.00013%); highest among the groups gnomAD compares: East Asian, 0.0049%; no homozygotes.

Submission:

ClinGen Cerebral Creatine Deficiency Syndromes Variant Curation Expert Panel, ClinGen
Classification: Likely pathogenic for Deficiency of guanidinoacetate methyltransferase. Last evaluated: 2025-12-10. Review status: reviewed by expert panel. Criteria: ClinGen CCDS ACMG Specifications GAMT V2.0.0. Collection method: curation. Allele origin: germline. Inheritance: Autosomal recessive inheritance.
Comment: The NM_000156.6:c.327+43G>A variant in GAMT is an intronic variant occurring in intron 2. The computational splicing predictor SpliceAI gives a score of 0.7 for donor loss, predicting that the variant disrupts the donor splice site of intron 2 of GAMT (PP3). Two individuals with a diagnosis of GAMT deficiency have been reported who are compound heterozygous for the variant and another variant in GAMT that has been classified by the ClinGen CCDS VCEP as pathogenic for GAMT deficiency. In these cases, the second variant is either c.352G>T (p.Glu118*), confirmed in trans by parental testing (1 point) (PMID: 40105081) or c.391+1G>C, phase unconfirmed (0.5 points) (Malays J Pathol 2022; 44(3): 539 – 562, "Medical Genetics Conference Kuala Lumpur 2022", Abstract GEN33, Mamat et al). Total 1.5 points (PM3). This first patient had significantly decreased creatine peak on brain MRS (GAA not reported) (PP4_Moderate). The highest population minor allele frequency in gnomAD v4.1.0. is 0.00004885 (2/40938 alleles) in the East Asian population, which is lower than the ClinGen CCDS VCEP’s threshold for PM2_Supporting (<0.0004), meeting this criterion (PM2_Supporting). In summary, this variant meets the criteria to be classified as likely pathogenic for GAMT deficiency based on the GAMT-specific ACMG/AMP criteria applied, as specified by the ClinGen Cerebral Creatine Deficiency Syndromes Variant Curation Expert Panel (Specifications Version 2.0.0): PM2_Supporting, PM3, PP3, PP4_Moderate. (Classification approved by the ClinGen Cerebral Creatine Deficiency Syndromes Variant Curation Expert Panel on December 10, 2025)

NM_000156.6(GAMT):c.327+43G>A

Gene: GAMT (guanidinoacetate N-methyltransferase; minus strand). Cytogenetic location: 19p13.3.
Variant type: single nucleotide variant.
Coding change: c.327+43G>A on transcript NM_000156.6 (MANE Select); 43 bases into the intron after coding-DNA position 327, G replaced by A.
Molecular consequence: intron variant.
Genome position (GRCh38, 1-based): chr19:1,399,750, C>T on the plus strand (G>A on the coding strand, the complement: GAMT is on the minus strand). VCF-style: chr19-1399750-C-T. GRCh37 (hg19) VCF-style: chr19-1399749-C-T.
Other names: NM_138924.3:c.327+43G>A; c.327+43G>A (NM_138924.3).
Identifiers: ClinVar variation 4537501 (VCV004537501.1).